The following is an entry in ClinVar:

ClinVar aggregate classification (germline): Likely benign. Review status: criteria provided, multiple submitters, no conflicts (2 of 4 stars). 3 submissions from 3 submitters: Likely benign (3). Last evaluated 2026-05-01.

Allele frequency attached by ClinVar (database versions not stated): gnomAD 0.00007; gnomAD exomes 0.00010 and 0.00017; ExAC 0.00012; TOPMed 0.00014; ESP Exome Variant Server 0.00015.
gnomAD v4.1: 280 of 1,613,234 alleles (0.017%); highest among the groups gnomAD compares: African/African-American, 0.031%; no homozygotes.

Submissions (3):

CeGaT Center for Human Genetics Tuebingen
Classification: Likely benign. Last evaluated: 2026-05-01. Review status: criteria provided, single submitter. Criteria: CeGaT Center For Human Genetics Tuebingen Variant Classification Criteria Version 2. Collection method: clinical testing. Allele origin: germline. Affected: yes. Observed: 1 variant allele.
Comment: OTOF: BP4, BP7

Labcorp Genetics (formerly Invitae), Labcorp
Classification: Likely benign. Last evaluated: 2026-01-04. Review status: criteria provided, single submitter. Criteria: Invitae Variant Classification Sherloc (09022015). Collection method: clinical testing. Allele origin: germline.

Laboratory for Molecular Medicine, Mass General Brigham Personalized Medicine
Classification: Likely benign. Last evaluated: 2017-02-02. Review status: criteria provided, single submitter. Criteria: LMM Criteria. Collection method: clinical testing. Allele origin: germline. Observed: 1 variant allele.
Comment: p.Asp523Asp in Exon 14 of OTOF: This variant is not expected to have clinical si gnificance because it does not alter an amino acid residue and is not located wi thin the splice consensus sequence. It has been identified in 14/65652 European chromosomes by the Exome Aggregation Consortium (ExAC; dbSNP rs111440869).

NM_194248.3(OTOF):c.1569C>T (p.Asp523=)

Gene: OTOF (otoferlin; minus strand). Cytogenetic location: 2p23.3.
Variant type: single nucleotide variant.
Coding change: c.1569C>T on transcript NM_194248.3 (MANE Select); coding-DNA position 1569, C replaced by T.
Protein change: p.Asp523=; no amino-acid change (aspartic acid 523 retained).
Molecular consequence: synonymous variant.
Genome position (GRCh38, 1-based): chr2:26,482,416, G>A on the plus strand (C>T on the coding strand, the complement: OTOF is on the minus strand). VCF-style: chr2-26482416-G-A. GRCh37 (hg19) VCF-style: chr2-26705284-G-A.
Other names: c.1569C>T, p.Asp523= (NM_001287489.2).
Identifiers: ClinVar variation 504663 (VCV000504663.16), dbSNP rs111440869, ClinGen allele CA1564241.